The following is an entry in ClinVar:

NM_012433.4(SF3B1):c.2164G>A (p.Glu722Lys)

Gene: SF3B1 (splicing factor 3b subunit 1; minus strand). Cytogenetic location: 2q33.1.
Variant type: single nucleotide variant.
Coding change: c.2164G>A on transcript NM_012433.4 (MANE Select); coding-DNA position 2164, G replaced by A.
Protein change: p.Glu722Lys; replaces glutamic acid 722 with lysine.
Molecular consequence: missense variant.
Genome position (GRCh38, 1-based): chr2:197,402,044, C>T on the plus strand (G>A on the coding strand, the complement: SF3B1 is on the minus strand). VCF-style: chr2-197402044-C-T. GRCh37 (hg19) VCF-style: chr2-198266768-C-T.
Other names: short protein forms E722K.
Identifiers: ClinVar variation 4755717 (VCV004755717.1).

ClinVar aggregate classification (germline): Uncertain significance (1 of 4 stars; one submission).

Submission:

GeneDx
Classification: Uncertain significance. Last evaluated: 2022-07-15. Review status: criteria provided, single submitter. Criteria: GeneDx Variant Classification Process June 2021. Collection method: clinical testing. Allele origin: germline. Affected: yes.
Comment: Not observed in large population cohorts (gnomAD); In silico analysis supports that this missense variant has a deleterious effect on protein structure/function; Has not been previously published as pathogenic or benign to our knowledge; Variants in candidate genes are classified as variants of uncertain significance in accordance with ACMG guidelines (Richards et al., 2015)